The following is an entry in ClinVar:

ClinVar aggregate classification (germline): Uncertain significance. Review status: criteria provided, multiple submitters, no conflicts (2 of 4 stars). 4 submissions from 4 submitters: Uncertain significance (4). Last evaluated 2026-03-23.

Conditions:
Cardiovascular phenotype. Identifiers: MedGen CN230736.

Allele frequency attached by ClinVar (database versions not stated): ExAC 0.00005; gnomAD 0.00005 and 0.00006; TOPMed 0.00005; gnomAD exomes 0.00008 and 0.00002.
gnomAD v4.1: 112 of 1,550,280 alleles (0.0072%); highest among the groups gnomAD compares: Non-Finnish European, 0.0094%; no homozygotes.

Submissions (4):

Women's Health and Genetics/Laboratory Corporation of America, LabCorp
Classification: Uncertain significance. Last evaluated: 2026-03-23. Review status: criteria provided, single submitter. Criteria: LabCorp Variant Classification Summary - May 2015. Collection method: clinical testing. Allele origin: germline.
Comment: Variant summary: ZNF469 c.5014C>T (p.Leu1672Phe) results in a non-conservative amino acid change in the encoded protein sequence. Algorithms developed to predict the effect of missense changes on protein structure and function are either unavailable or do not agree on the potential impact of this missense change. The variant allele was found at a frequency of 2e-05 in 153672 control chromosomes. The available data on variant occurrences in the general population are insufficient to allow any conclusion about variant significance. To our knowledge, no occurrence of c.5014C>T in individuals affected with ZNF469-related conditions and no experimental evidence demonstrating its impact on protein function have been reported. ClinVar contains an entry for this variant (Variation ID: 1312712). Based on the evidence outlined above, the variant was classified as uncertain significance.

Ambry Genetics
Classification: Uncertain significance for Cardiovascular phenotype. Last evaluated: 2024-05-12. Review status: criteria provided, single submitter. Criteria: Ambry Variant Classification Scheme 2023. Collection method: clinical testing. Allele origin: germline.
Comment: The p.L1644F variant (also known as c.4930C>T), located in coding exon 2 of the ZNF469 gene, results from a C to T substitution at nucleotide position 4930. The leucine at codon 1644 is replaced by phenylalanine, an amino acid with highly similar properties. This amino acid position is conserved. In addition, this alteration is predicted to be tolerated by in silico analysis. Since supporting evidence is limited at this time, the clinical significance of this alteration remains unclear.

GeneDx
Classification: Uncertain significance. Last evaluated: 2023-11-09. Review status: criteria provided, single submitter. Criteria: GeneDx Variant Classification Process June 2021. Collection method: clinical testing. Allele origin: germline. Affected: yes.
Comment: Has not been previously published as pathogenic or benign to our knowledge; Not observed at significant frequency in large population cohorts (gnomAD); In silico analysis supports that this missense variant does not alter protein structure/function

Labcorp Genetics (formerly Invitae), Labcorp
Classification: Uncertain significance. Last evaluated: 2022-02-08. Review status: criteria provided, single submitter. Criteria: Invitae Variant Classification Sherloc (09022015). Collection method: clinical testing. Allele origin: germline.
Comment: This sequence change replaces leucine, which is neutral and non-polar, with phenylalanine, which is neutral and non-polar, at codon 1644 of the ZNF469 protein (p.Leu1644Phe). This variant is present in population databases (rs754238957, gnomAD 0.004%). This variant has not been reported in the literature in individuals affected with ZNF469-related conditions. ClinVar contains an entry for this variant (Variation ID: 1312712). Algorithms developed to predict the effect of missense changes on protein structure and function are either unavailable or do not agree on the potential impact of this missense change (SIFT: "Tolerated"; PolyPhen-2: "Possibly Damaging"; Align-GVGD: "Class C0"). In summary, the available evidence is currently insufficient to determine the role of this variant in disease. Therefore, it has been classified as a Variant of Uncertain Significance.

NM_001367624.2(ZNF469):c.5014C>T (p.Leu1672Phe)

Gene: ZNF469 (zinc finger protein 469; plus strand). Cytogenetic location: 16q24.2.
Variant type: single nucleotide variant.
Coding change: c.5014C>T on transcript NM_001367624.2 (MANE Select); coding-DNA position 5014, C replaced by T.
Protein change: p.Leu1672Phe; replaces leucine 1672 with phenylalanine.
Molecular consequence: missense variant.
Genome position (GRCh38, 1-based): chr16:88,432,484, C>T. VCF-style: chr16-88432484-C-T. GRCh37 (hg19) VCF-style: chr16-88498892-C-T.
Other names: NM_001127464.1:c.4930C>T; short protein forms L1672F.
Identifiers: ClinVar variation 1312712 (VCV001312712.9), dbSNP rs754238957, ClinGen allele CA8225037.